The following is an entry in ClinVar:

ClinVar aggregate classification (germline): Pathogenic (1 of 4 stars; one submission).

Conditions:
Thrombophilia due to protein C deficiency, autosomal dominant. Also called: PROC DEFICIENCY, AUTOSOMAL DOMINANT; PROTEIN C DEFICIENCY, AUTOSOMAL DOMINANT. Identifiers: Orphanet 745, MedGen C2674321, MONDO:0008316, OMIM 176860. Disease mechanism: loss of function.

Submission:

Labcorp Genetics (formerly Invitae), Labcorp
Classification: Pathogenic for Thrombophilia due to protein C deficiency, autosomal dominant. Last evaluated: 2023-10-23. Review status: criteria provided, single submitter. Criteria: Invitae Variant Classification Sherloc (09022015). Collection method: clinical testing. Allele origin: unknown.
Comment: This variant is a gross deletion of the genomic region encompassing exon(s) 1-8 of the PROC gene, which includes the initiator codon. This deletion extends beyond the assayed region for this gene and therefore may encompass additional genes. It is expected to result in an absent or disrupted protein product. Loss-of-function variants in PROC are known to be pathogenic (PMID: 17152060). This variant has not been reported in the literature in individuals affected with PROC-related conditions. For these reasons, this variant has been classified as Pathogenic.

Literature cited by the submitters: PubMed 17152060.

NC_000002.11:g.(?_128175983)_(128184818_?)del

Gene: PROC (protein C, inactivator of coagulation factors Va and VIIIa; plus strand). Cytogenetic location: 2q14.3.
Variant type: Deletion.
Identifiers: ClinVar variation 3247344 (VCV003247344.1).